The following is an entry in ClinVar:

NM_024675.4(PALB2):c.2294A>G (p.Asp765Gly)

Gene: PALB2 (partner and localizer of BRCA2; minus strand). Cytogenetic location: 16p12.2.
Variant type: single nucleotide variant.
Coding change: c.2294A>G on transcript NM_024675.4 (MANE Select); coding-DNA position 2294, A replaced by G.
Protein change: p.Asp765Gly; replaces aspartic acid 765 with glycine.
Molecular consequence: missense variant.
Genome position (GRCh38, 1-based): chr16:23,629,860, T>C on the plus strand (A>G on the coding strand, the complement: PALB2 is on the minus strand). VCF-style: chr16-23629860-T-C. GRCh37 (hg19) VCF-style: chr16-23641181-T-C.
Other names: c.2234A>G, p.Asp745Gly (NM_001407296.1); c.2294A>G, p.Asp765Gly (NM_001407297.1, NM_001407298.1, NM_001407299.1 and 3 more transcripts); c.1409A>G, p.Asp470Gly (NM_001407304.1, NM_001407305.1, NM_001407306.1 and 5 more transcripts); c.506A>G, p.Asp169Gly (NM_001407312.1, NM_001407313.1); short protein forms D169G, D470G, D765G, D745G.
Identifiers: ClinVar variation 1789147 (VCV001789147.2), dbSNP rs2142376265, ClinGen allele CA395125300.

ClinVar aggregate classification (germline): Uncertain significance (1 of 4 stars; one submission).

Conditions:
Hereditary cancer-predisposing syndrome. Also called: Hereditary Cancer Syndrome; Hereditary neoplastic syndrome; Tumor predisposition; Neoplastic Syndromes, Hereditary. Identifiers: Orphanet 140162, MedGen C0027672, MeSH D009386, MONDO:0015356.

Submission:

Ambry Genetics
Classification: Uncertain significance for Hereditary cancer-predisposing syndrome. Last evaluated: 2020-03-16. Review status: criteria provided, single submitter. Criteria: Ambry Variant Classification Scheme 2023. Collection method: clinical testing. Allele origin: germline.
Comment: The p.D765G variant (also known as c.2294A>G), located in coding exon 5 of the PALB2 gene, results from an A to G substitution at nucleotide position 2294. The aspartic acid at codon 765 is replaced by glycine, an amino acid with similar properties. This amino acid position is poorly conserved in available vertebrate species. In addition, this alteration is predicted to be tolerated by in silico analysis. Since supporting evidence is limited at this time, the clinical significance of this alteration remains unclear.